The following is an entry in ClinVar:

NM_003184.4(TAF2):c.3338-4G>C

Gene: TAF2 (TATA-box binding protein associated factor 2; minus strand). Cytogenetic location: 8q24.12.
Variant type: single nucleotide variant.
Coding change: c.3338-4G>C on transcript NM_003184.4 (MANE Select); 4 bases into the intron before coding-DNA position 3338, G replaced by C.
Molecular consequence: intron variant.
Genome position (GRCh38, 1-based): chr8:119,732,190, C>G on the plus strand (G>C on the coding strand, the complement: TAF2 is on the minus strand). VCF-style: chr8-119732190-C-G. GRCh37 (hg19) VCF-style: chr8-120744430-C-G.
Identifiers: ClinVar variation 2240898 (VCV002240898.2), dbSNP rs754650096, ClinGen allele CA2580078564.
Genomic context (GRCh38, chr8:119,732,190, plus strand): 5'-AGAGTGGAGCGCTTGCCGCTGGATGCATACTCATCTCCAAAGGTGCTTGTTCTTTACCTT[C>G]AAGATTAAAAATACCCAAATGAATTCCTGCTGATGATACGGAAAGCCAGACTAAAGAAAG-3'

ClinVar aggregate classification (germline): Uncertain significance (1 of 4 stars; one submission).

Conditions:
Inborn genetic diseases. Identifiers: MedGen C0950123, MeSH D030342.

gnomAD v4.1: 1 of 1,613,792 alleles (0.000062%); highest among the groups gnomAD compares: Non-Finnish European, 0.000085%; no homozygotes.

Submission:

Ambry Genetics
Classification: Uncertain significance for Inborn genetic diseases. Last evaluated: 2021-09-07. Review status: criteria provided, single submitter. Criteria: Ambry Variant Classification Scheme 2023. Collection method: clinical testing. Allele origin: germline.
Comment: The c.3338-4G>C intronic alteration consists of a G to C substitution 4 nucleotides before exon 26 of the TAF2 gene. Based on insufficient or conflicting evidence, the clinical significance of this alteration remains unclear.